The following is an entry in ClinVar:

NM_020632.3(ATP6V0A4):c.1384A>C (p.Thr462Pro)

Gene: ATP6V0A4 (ATPase H+ transporting V0 subunit a4; minus strand). Cytogenetic location: 7q34.
Variant type: single nucleotide variant.
Coding change: c.1384A>C on transcript NM_020632.3 (MANE Select); coding-DNA position 1384, A replaced by C.
Protein change: p.Thr462Pro; replaces threonine 462 with proline.
Molecular consequence: missense variant.
Genome position (GRCh38, 1-based): chr7:138,745,217, T>G on the plus strand (A>C on the coding strand, the complement: ATP6V0A4 is on the minus strand). VCF-style: chr7-138745217-T-G. GRCh37 (hg19) VCF-style: chr7-138429962-T-G.
Other names: c.1384A>C, p.Thr462Pro (NM_130840.3, NM_130841.3); short protein forms T462P.
Identifiers: ClinVar variation 3384682 (VCV003384682.2).

ClinVar aggregate classification (germline): Likely pathogenic (0 of 4 stars; one submission).

Conditions:
Renal tubular acidosis, distal, 3, with or without sensorineural hearing loss (DRTA3). Identifiers: MedGen C5399980, MONDO:0011268, OMIM 602722.

Submission:

Genetics laboratory, Institute of Kidney Diseases & Research Centre Dr. H.L. Trivedi Institute Of Transplantation Sciences
Classification: Likely pathogenic for Renal tubular acidosis, distal, 3, with or without sensorineural hearing loss. Last evaluated: 2024-05-12. Review status: no assertion criteria provided. Collection method: clinical testing. Allele origin: germline. Inheritance: Autosomal recessive inheritance. Affected: yes. Observed: 1 variant allele, 1 homozygote.
Comment: A homozygous missense variant c.1384A>C in ATP6V0A4 gene (chr7:138429962; Depth:102x) was detected. The variant replaces threonine with proline at the 462nd amino acid position. This variant is not observed in 1000 genomes, topmed and gnomAD database. In silico predictions suggests the variant to be deleterious effect on the gene by MutationTaster, SIFT, CADD and REVEL. Based on the aforementioned evidence, the variant is classified as a variant of likely pathogenic based on the ACMG-AMP classification system.